The following is an entry in ClinVar:

NM_001376256.1(CRYM):c.833G>A (p.Gly278Glu)

Gene: CRYM (crystallin mu; minus strand). Cytogenetic location: 16p12.2.
Variant type: single nucleotide variant.
Coding change: c.833G>A on transcript NM_001376256.1 (MANE Select); coding-DNA position 833, G replaced by A.
Protein change: p.Gly278Glu; replaces glycine 278 with glutamic acid.
Molecular consequence: missense variant.
Genome position (GRCh38, 1-based): chr16:21,261,301, C>T on the plus strand (G>A on the coding strand, the complement: CRYM is on the minus strand). VCF-style: chr16-21261301-C-T. GRCh37 (hg19) VCF-style: chr16-21272622-C-T.
Other names: c.833G>A, p.Gly278Glu (NM_001888.5); short protein forms G278E.
Identifiers: ClinVar variation 2830258 (VCV002830258.3), dbSNP rs1402752371, ClinGen allele CA395060922.
Genomic context (GRCh38, chr16:21,261,301, plus strand): 5'-CAATGGATCTTACCCAAAGACTTGAACACGGTGGTCTTCTCACAGTGGGCTGGTTTCACT[C>T]CCTTAATCACTTCTCCCAGCTCAGCAAAGATCTCGGCCTAGGAAACAAACATACGCTGAC-3'
Protein context (NP_001363185.1, residues 268-288): IFAELGEVIK[Gly278Glu]VKPAHCEKTT

ClinVar aggregate classification (germline): Uncertain significance (1 of 4 stars; one submission).

Submission:

Labcorp Genetics (formerly Invitae), Labcorp
Classification: Uncertain significance. Last evaluated: 2023-08-04. Review status: criteria provided, single submitter. Criteria: Invitae Variant Classification Sherloc (09022015). Collection method: clinical testing. Allele origin: germline.
Comment: In summary, the available evidence is currently insufficient to determine the role of this variant in disease. Therefore, it has been classified as a Variant of Uncertain Significance. This sequence change replaces glycine, which is neutral and non-polar, with glutamic acid, which is acidic and polar, at codon 278 of the CRYM protein (p.Gly278Glu). This variant is present in population databases (no rsID available, gnomAD 0.003%). This variant has not been reported in the literature in individuals affected with CRYM-related conditions. Advanced modeling of protein sequence and biophysical properties (such as structural, functional, and spatial information, amino acid conservation, physicochemical variation, residue mobility, and thermodynamic stability) performed at Invitae indicates that this missense variant is not expected to disrupt CRYM protein function.